The following is an entry in ClinVar:

NM_001148.6(ANK2):c.805C>T (p.Pro269Ser)

Gene: ANK2 (ankyrin 2; plus strand). Cytogenetic location: 4q26.
Variant type: single nucleotide variant.
Coding change: c.805C>T on transcript NM_001148.6 (MANE Select); coding-DNA position 805, C replaced by T.
Protein change: p.Pro269Ser; replaces proline 269 with serine.
Molecular consequence: missense variant.
Genome position (GRCh38, 1-based): chr4:113,242,123, C>T. VCF-style: chr4-113242123-C-T. GRCh37 (hg19) VCF-style: chr4-114163279-C-T.
Other names: c.742C>T, p.Pro248Ser (NM_001127493.3, NM_001354239.2, NM_001354243.2 and 14 more transcripts); c.805C>T, p.Pro269Ser (NM_001354225.2, NM_001354228.2, NM_001354232.2 and 9 more transcripts); c.850C>T, p.Pro284Ser (NM_001354230.2, NM_001354231.2, NM_001354237.2 and 5 more transcripts); c.718C>T, p.Pro240Ser (NM_001354249.2, NM_001354260.2, NM_001354264.2 and 16 more transcripts); c.763C>T, p.Pro255Ser (NM_001354261.2, NM_001386147.1, NM_001386160.1); c.793C>T, p.Pro265Ser (NM_001354269.3, NM_001386148.2, NM_001386186.2); c.856C>T, p.Pro286Ser (NM_001386174.1); c.832C>T, p.Pro278Ser (NM_001386175.1); and 1 more; short protein forms P248S, P269S, P240S, P255S, P265S, P284S, P257S, P278S.
Identifiers: ClinVar variation 518493 (VCV000518493.16), dbSNP rs1260008727, ClinGen allele CA357919404.
Genomic context (GRCh38, chr4:113,242,123, plus strand): 5'-ATGCCCTGTCATACCCAACAGCTCTTGTTTGGTCTTTCTGTGGTGTAGAATGGAATCACT[C>T]CTCTGCATGTGGCTTCCAAAAGAGGAAATACAAACATGGTGAAGCTCTTACTGGATCGAG-3'
Protein context (NP_001139.3, residues 259-279): VDFTARNGIT[Pro269Ser]LHVASKRGNT

ClinVar aggregate classification (germline): Uncertain significance. Review status: criteria provided, multiple submitters, no conflicts (2 of 4 stars). 4 submissions from 4 submitters: Uncertain significance (4). Last evaluated 2025-04-28.

Conditions:
Cardiovascular phenotype. Identifiers: MedGen CN230736.
Long QT syndrome (LQTS). Identifiers: MedGen C0023976, MeSH D008133, MONDO:0002442. Disease mechanism: loss of function. Inheritance: Various modes of inheritance.
Cardiac arrhythmia, ankyrin-B-related. Also called: ANKYRIN-B SYNDROME. Identifiers: Orphanet 101016, Orphanet 768, MedGen C1970119, MONDO:0010958, OMIM 600919.

Allele frequency attached by ClinVar (database versions not stated): gnomAD exomes below 0.00001 and 0.00001; gnomAD 0.00001; TOPMed 0.00001.
gnomAD v4.1: 13 of 1,613,688 alleles (0.00081%); highest among the groups gnomAD compares: Non-Finnish European, 0.0011%; no homozygotes.

Submissions (4):

Ambry Genetics
Classification: Uncertain significance for Cardiovascular phenotype. Last evaluated: 2025-04-28. Review status: criteria provided, single submitter. Criteria: Ambry Variant Classification Scheme 2023. Collection method: clinical testing. Allele origin: germline.
Comment: The p.P269S variant (also known as c.805C>T), located in coding exon 9 of the ANK2 gene, results from a C to T substitution at nucleotide position 805. The proline at codon 269 is replaced by serine, an amino acid with similar properties. This amino acid position is highly conserved in available vertebrate species. In addition, this alteration is predicted to be deleterious by in silico analysis. Based on the available evidence, the clinical significance of this variant remains unclear.

Labcorp Genetics (formerly Invitae), Labcorp
Classification: Uncertain significance for Long QT syndrome. Last evaluated: 2022-11-08. Review status: criteria provided, single submitter. Criteria: Invitae Variant Classification Sherloc (09022015). Collection method: clinical testing. Allele origin: germline.
Comment: Advanced modeling of protein sequence and biophysical properties (such as structural, functional, and spatial information, amino acid conservation, physicochemical variation, residue mobility, and thermodynamic stability) performed at Invitae indicates that this missense variant is not expected to disrupt ANK2 protein function. ClinVar contains an entry for this variant (Variation ID: 518493). This variant has not been reported in the literature in individuals affected with ANK2-related conditions. This variant is present in population databases (no rsID available, gnomAD 0.003%). This sequence change replaces proline, which is neutral and non-polar, with serine, which is neutral and polar, at codon 269 of the ANK2 protein (p.Pro269Ser). In summary, the available evidence is currently insufficient to determine the role of this variant in disease. Therefore, it has been classified as a Variant of Uncertain Significance.

GeneDx
Classification: Uncertain significance. Last evaluated: 2022-05-26. Review status: criteria provided, single submitter. Criteria: GeneDx Variant Classification Process June 2021. Collection method: clinical testing. Allele origin: germline. Affected: yes.
Comment: Not observed at significant frequency in large population cohorts (gnomAD); In silico analysis supports that this missense variant has a deleterious effect on protein structure/function; Has not been previously published as pathogenic or benign to our knowledge

Fulgent Genetics
Classification: Uncertain significance for Cardiac arrhythmia, ankyrin-B-related. Last evaluated: 2021-09-17. Review status: criteria provided, single submitter. Criteria: ACMG Guidelines, 2015. Collection method: clinical testing. Allele origin: unknown.